The following is an entry in ClinVar:

NM_022168.4(IFIH1):c.1741T>C (p.Trp581Arg)

Gene: IFIH1 (interferon induced with helicase C domain 1; minus strand). Cytogenetic location: 2q24.2.
Variant type: single nucleotide variant.
Coding change: c.1741T>C on transcript NM_022168.4 (MANE Select); coding-DNA position 1741, T replaced by C.
Protein change: p.Trp581Arg; replaces tryptophan 581 with arginine.
Molecular consequence: missense variant.
Genome position (GRCh38, 1-based): chr2:162,278,229, A>G on the plus strand (T>C on the coding strand, the complement: IFIH1 is on the minus strand). VCF-style: chr2-162278229-A-G. GRCh37 (hg19) VCF-style: chr2-163134739-A-G.
Other names: short protein forms W581R.
Identifiers: ClinVar variation 3752143 (VCV003752143.2).

ClinVar aggregate classification (germline): Uncertain significance (1 of 4 stars; one submission).

Conditions:
Singleton-Merten syndrome 1 (SGMRT1). Also called: Syndrome of widened medullary cavities of the metacarpals and phalanges, aortic calcification and abnormal dentition; Widened medullary cavities of bone, aortic calcification, abnormal dentition, and muscular weakness. Identifiers: Orphanet 85191, MedGen C4225427, MONDO:0024535, OMIM 182250.
Aicardi-Goutieres syndrome 7 (AGS7). Identifiers: Orphanet 51, MedGen C3888244, MONDO:0014367, OMIM 615846.

gnomAD v4.1: 24 of 1,606,204 alleles (0.0015%); highest among the groups gnomAD compares: Non-Finnish European, 0.002%; no homozygotes.

Submission:

Labcorp Genetics (formerly Invitae), Labcorp
Classification: Uncertain significance for Aicardi-Goutieres syndrome 7; Singleton-Merten syndrome 1. Last evaluated: 2025-05-04. Review status: criteria provided, single submitter. Criteria: Invitae Variant Classification Sherloc (09022015). Collection method: clinical testing. Allele origin: germline.
Comment: This sequence change replaces tryptophan, which is neutral and slightly polar, with arginine, which is basic and polar, at codon 581 of the IFIH1 protein (p.Trp581Arg). This variant is present in population databases (no rsID available, gnomAD 0.0009%). This variant has not been reported in the literature in individuals affected with IFIH1-related conditions. ClinVar contains an entry for this variant (Variation ID: 3752143). Invitae Evidence Modeling of protein sequence and biophysical properties (such as structural, functional, and spatial information, amino acid conservation, physicochemical variation, residue mobility, and thermodynamic stability) has been performed for this missense variant. However, the output from this modeling did not meet the statistical confidence thresholds required to predict the impact of this variant on IFIH1 protein function. In summary, the available evidence is currently insufficient to determine the role of this variant in disease. Therefore, it has been classified as a Variant of Uncertain Significance.